The following is an entry in ClinVar:

ClinVar aggregate classification (germline): Benign. Review status: criteria provided, multiple submitters, no conflicts (2 of 4 stars). 6 submissions from 6 submitters: Benign (6). Last evaluated 2026-02-02.

Conditions:
Charcot-Marie-Tooth disease. Also called: Charcot-Marie-Tooth Neuropathy; Charcot-Marie-Tooth Hereditary Neuropathy. Identifiers: Orphanet 166, MedGen C0007959, MONDO:0015626.
Severe early-onset pulmonary alveolar proteinosis due to MARS deficiency. Also called: PULMONARY ALVEOLAR PROTEINOSIS, REUNION ISLAND; Interstitial lung and liver disease. Identifiers: Orphanet 440427, MedGen C4225400, MONDO:0014206, OMIM 615486.
Charcot-Marie-Tooth disease axonal type 2U. Also called: CHARCOT-MARIE-TOOTH NEUROPATHY, TYPE 2U; CHARCOT-MARIE-TOOTH DISEASE, AXONAL, AUTOSOMAL DOMINANT, TYPE 2U. Identifiers: Orphanet 397735, MedGen C4084821, MONDO:0014566, OMIM 616280.

Allele frequency attached by ClinVar (database versions not stated): ESP Exome Variant Server 0.00015; gnomAD exomes 0.00179 and 0.00584; gnomAD 0.00206 and 0.00297; TOPMed 0.00292; ExAC 0.00568; 1000 Genomes Project 30x 0.02046; 1000 Genomes Project 0.02196.
gnomAD v4.1: 3,447 of 1,614,188 alleles (0.21%); highest among the groups gnomAD compares: East Asian, 6%; 135 homozygotes.

Submissions 1 to 30 of 53:

Labcorp Genetics (formerly Invitae), Labcorp
Classification: Benign for Charcot-Marie-Tooth disease axonal type 2U; Severe early-onset pulmonary alveolar proteinosis due to MARS deficiency. Last evaluated: 2026-02-02. Review status: criteria provided, single submitter. Criteria: Invitae Variant Classification Sherloc (09022015). Collection method: clinical testing. Allele origin: germline.

ARUP Laboratories, Molecular Genetics and Genomics, ARUP Laboratories
Classification: Benign. Last evaluated: 2023-11-03. Review status: criteria provided, single submitter. Criteria: ARUP Molecular Germline Variant Investigation Process 2024. Collection method: clinical testing. Allele origin: germline.

Mayo Clinic Laboratories, Mayo Clinic
Classification: Benign. Last evaluated: 2017-12-22. Review status: criteria provided, single submitter. Criteria: ACMG Guidelines, 2015. Collection method: clinical testing. Allele origin: germline. Observed: 4 variant alleles.

GeneDx
Classification: Benign. Last evaluated: 2016-09-08. Review status: criteria provided, single submitter. Criteria: GeneDx Variant Classification (06012015). Collection method: clinical testing. Allele origin: germline. Affected: yes.
Comment: This variant is considered likely benign or benign based on one or more of the following criteria: it is a conservative change, it occurs at a poorly conserved position in the protein, it is predicted to be benign by multiple in silico algorithms, and/or has population frequency not consistent with disease.

Breakthrough Genomics
Classification: Benign. Review status: criteria provided, single submitter. Criteria: ACMG Guidelines, 2015. Collection method: not provided. Allele origin: germline. Inheritance: Autosomal recessive inheritance. Affected: yes.

Molecular Genetics Laboratory, London Health Sciences Centre
Classification: Benign for Charcot-Marie-Tooth disease. Review status: criteria provided, single submitter. Criteria: ACMG Guidelines, 2015. Collection method: clinical testing. Allele origin: germline. Affected: yes.

Dr. Peter K. Rogan Lab, Western University
No classification provided (evidence only). Condition: Clear cell carcinoma of kidney. Review status: no classification provided. Collection method: in vitro. Allele origin: not applicable. Functional consequence: retained intron. Not counted in ClinVar's aggregate classification.

Dr. Peter K. Rogan Lab, Western University
No classification provided (evidence only). Condition: Melanoma. Review status: no classification provided. Collection method: in vitro. Allele origin: not applicable. Functional consequence: retained intron. Not counted in ClinVar's aggregate classification.

Dr. Peter K. Rogan Lab, Western University
No classification provided (evidence only). Condition: Melanoma. Review status: no classification provided. Collection method: in vitro. Allele origin: not applicable. Functional consequence: retained intron. Not counted in ClinVar's aggregate classification.

Dr. Peter K. Rogan Lab, Western University
No classification provided (evidence only). Condition: Familial cancer of breast. Review status: no classification provided. Collection method: in vitro. Allele origin: not applicable. Functional consequence: retained intron. Not counted in ClinVar's aggregate classification.

Dr. Peter K. Rogan Lab, Western University
No classification provided (evidence only). Condition: Familial cancer of breast. Review status: no classification provided. Collection method: in vitro. Allele origin: not applicable. Functional consequence: retained intron. Not counted in ClinVar's aggregate classification.

Dr. Peter K. Rogan Lab, Western University
No classification provided (evidence only). Condition: Familial cancer of breast. Review status: no classification provided. Collection method: in vitro. Allele origin: not applicable. Functional consequence: retained intron. Not counted in ClinVar's aggregate classification.

Dr. Peter K. Rogan Lab, Western University
No classification provided (evidence only). Condition: Familial cancer of breast. Review status: no classification provided. Collection method: in vitro. Allele origin: not applicable. Functional consequence: retained intron. Not counted in ClinVar's aggregate classification.

Dr. Peter K. Rogan Lab, Western University
No classification provided (evidence only). Condition: Familial cancer of breast. Review status: no classification provided. Collection method: in vitro. Allele origin: not applicable. Functional consequence: retained intron. Not counted in ClinVar's aggregate classification.

Dr. Peter K. Rogan Lab, Western University
No classification provided (evidence only). Condition: Familial cancer of breast. Review status: no classification provided. Collection method: in vitro. Allele origin: not applicable. Functional consequence: retained intron. Not counted in ClinVar's aggregate classification.

Dr. Peter K. Rogan Lab, Western University
No classification provided (evidence only). Condition: Colon adenocarcinoma. Review status: no classification provided. Collection method: in vitro. Allele origin: not applicable. Functional consequence: retained intron. Not counted in ClinVar's aggregate classification.

Dr. Peter K. Rogan Lab, Western University
No classification provided (evidence only). Condition: Colorectal cancer. Review status: no classification provided. Collection method: in vitro. Allele origin: not applicable. Functional consequence: retained intron. Not counted in ClinVar's aggregate classification.

Dr. Peter K. Rogan Lab, Western University
No classification provided (evidence only). Condition: Thyroid cancer, nonmedullary, 1. Review status: no classification provided. Collection method: in vitro. Allele origin: not applicable. Functional consequence: retained intron. Not counted in ClinVar's aggregate classification.

Dr. Peter K. Rogan Lab, Western University
No classification provided (evidence only). Condition: Thyroid cancer, nonmedullary, 1. Review status: no classification provided. Collection method: in vitro. Allele origin: not applicable. Functional consequence: retained intron. Not counted in ClinVar's aggregate classification.

Dr. Peter K. Rogan Lab, Western University
No classification provided (evidence only). Condition: Thyroid cancer, nonmedullary, 1. Review status: no classification provided. Collection method: in vitro. Allele origin: not applicable. Functional consequence: retained intron. Not counted in ClinVar's aggregate classification.

Dr. Peter K. Rogan Lab, Western University
No classification provided (evidence only). Condition: Thyroid cancer, nonmedullary, 1. Review status: no classification provided. Collection method: in vitro. Allele origin: not applicable. Functional consequence: retained intron. Not counted in ClinVar's aggregate classification.

Dr. Peter K. Rogan Lab, Western University
No classification provided (evidence only). Condition: Thyroid cancer, nonmedullary, 1. Review status: no classification provided. Collection method: in vitro. Allele origin: not applicable. Functional consequence: retained intron. Not counted in ClinVar's aggregate classification.

Dr. Peter K. Rogan Lab, Western University
No classification provided (evidence only). Condition: Thyroid cancer, nonmedullary, 1. Review status: no classification provided. Collection method: in vitro. Allele origin: not applicable. Functional consequence: retained intron. Not counted in ClinVar's aggregate classification.

Dr. Peter K. Rogan Lab, Western University
No classification provided (evidence only). Condition: Thyroid cancer, nonmedullary, 1. Review status: no classification provided. Collection method: in vitro. Allele origin: not applicable. Functional consequence: retained intron. Not counted in ClinVar's aggregate classification.

Dr. Peter K. Rogan Lab, Western University
No classification provided (evidence only). Condition: Thyroid cancer, nonmedullary, 1. Review status: no classification provided. Collection method: in vitro. Allele origin: not applicable. Functional consequence: retained intron. Not counted in ClinVar's aggregate classification.

Dr. Peter K. Rogan Lab, Western University
No classification provided (evidence only). Condition: Thyroid cancer, nonmedullary, 1. Review status: no classification provided. Collection method: in vitro. Allele origin: not applicable. Functional consequence: retained intron. Not counted in ClinVar's aggregate classification.

Dr. Peter K. Rogan Lab, Western University
No classification provided (evidence only). Condition: Thyroid cancer, nonmedullary, 1. Review status: no classification provided. Collection method: in vitro. Allele origin: not applicable. Functional consequence: retained intron. Not counted in ClinVar's aggregate classification.

Dr. Peter K. Rogan Lab, Western University
No classification provided (evidence only). Condition: Uterine corpus endometrial carcinoma. Review status: no classification provided. Collection method: in vitro. Allele origin: not applicable. Functional consequence: retained intron. Not counted in ClinVar's aggregate classification.

Dr. Peter K. Rogan Lab, Western University
No classification provided (evidence only). Condition: Uterine corpus endometrial carcinoma. Review status: no classification provided. Collection method: in vitro. Allele origin: not applicable. Functional consequence: retained intron. Not counted in ClinVar's aggregate classification.

Dr. Peter K. Rogan Lab, Western University
No classification provided (evidence only). Condition: Cervical cancer. Review status: no classification provided. Collection method: in vitro. Allele origin: not applicable. Functional consequence: retained intron. Not counted in ClinVar's aggregate classification.

NM_004990.4(MARS1):c.1500A>G (p.Lys500=)

Gene: MARS1 (methionyl-tRNA synthetase 1; plus strand). Cytogenetic location: 12q13.3.
Variant type: single nucleotide variant.
Coding change: c.1500A>G on transcript NM_004990.4 (MANE Select); coding-DNA position 1500, A replaced by G.
Protein change: p.Lys500=; no amino-acid change (lysine 500 retained).
Molecular consequence: synonymous variant.
Genome position (GRCh38, 1-based): chr12:57,511,829, A>G. VCF-style: chr12-57511829-A-G. GRCh37 (hg19) VCF-style: chr12-57905612-A-G.
Other names: p.Lys500=.
Identifiers: ClinVar variation 381454 (VCV000381454.63), dbSNP rs2290297, ClinGen allele CA6650533.